The following is an entry in ClinVar:

ClinVar aggregate classification (germline): Conflicting classifications of pathogenicity. Review status: criteria provided, conflicting classifications (1 of 4 stars). 2 submissions from 2 submitters: Uncertain significance (1); Likely benign (1). Last evaluated 2025-10-15.

Allele frequency attached by ClinVar (database versions not stated): gnomAD exomes 0.00001; ExAC 0.00006; gnomAD 0.00010; TOPMed 0.00011; 1000 Genomes Project 30x 0.00021; 1000 Genomes Project 0.00026.
gnomAD v4.1: 44 of 1,188,062 alleles (0.0037%); highest among the groups gnomAD compares: Admixed American, 0.025%; 1 homozygote.

Submissions (2):

Ambry Genetics
Classification: Uncertain significance. Last evaluated: 2025-10-15. Review status: criteria provided, single submitter. Criteria: Ambry Variant Classification Scheme 2023. Collection method: clinical testing. Allele origin: germline.

CeGaT Center for Human Genetics Tuebingen
Classification: Likely benign. Last evaluated: 2024-04-01. Review status: criteria provided, single submitter. Criteria: CeGaT Center For Human Genetics Tuebingen Variant Classification Criteria Version 2. Collection method: clinical testing. Allele origin: germline. Affected: yes. Observed: 2 variant alleles.
Comment: MXRA5: BP4

NM_015419.4(MXRA5):c.3473G>A (p.Arg1158His)

Gene: MXRA5 (matrix remodeling associated 5; minus strand). Cytogenetic location: Xp22.33.
Variant type: single nucleotide variant.
Coding change: c.3473G>A on transcript NM_015419.4 (MANE Select); coding-DNA position 3473, G replaced by A.
Protein change: p.Arg1158His; replaces arginine 1158 with histidine.
Molecular consequence: missense variant.
Genome position (GRCh38, 1-based): chrX:3,322,212, C>T on the plus strand (G>A on the coding strand, the complement: MXRA5 is on the minus strand). VCF-style: chrX-3322212-C-T. GRCh37 (hg19) VCF-style: chrX-3240253-C-T.
Other names: c.3473G>A (NM_015419.3); short protein forms R1158H.
Identifiers: ClinVar variation 3024671 (VCV003024671.23), dbSNP rs112514198, ClinGen allele CA10340033.